The following is an entry in ClinVar:

ClinVar aggregate classification (germline): Uncertain significance. Review status: criteria provided, multiple submitters, no conflicts (2 of 4 stars). 4 submissions from 4 submitters: Uncertain significance (4). Last evaluated 2024-05-27.

Conditions:
Peroxisome biogenesis disorder, complementation group 7 (CG7). Also called: Peroxisome biogenesis disorder, complementation group B. Identifiers: MedGen C1864399.

Allele frequency attached by ClinVar (database versions not stated): TOPMed 0.00003; gnomAD exomes 0.00006 and 0.00008; gnomAD 0.00007; ExAC 0.00008; 1000 Genomes Project 0.00020; 1000 Genomes Project 30x 0.00031.

Submissions (4):

Blueprint Genetics
Classification: Uncertain significance. Last evaluated: 2024-05-27. Review status: criteria provided, single submitter. Criteria: ACMG Guidelines, 2015. Collection method: clinical testing. Allele origin: germline.

Labcorp Genetics (formerly Invitae), Labcorp
Classification: Uncertain significance for Peroxisome biogenesis disorder, complementation group 7. Last evaluated: 2022-05-05. Review status: criteria provided, single submitter. Criteria: Invitae Variant Classification Sherloc (09022015). Collection method: clinical testing. Allele origin: germline.
Comment: This sequence change replaces arginine, which is basic and polar, with glutamine, which is neutral and polar, at codon 176 of the PEX10 protein (p.Arg176Gln). This variant is present in population databases (rs184150138, gnomAD 0.03%). This variant has not been reported in the literature in individuals affected with PEX10-related conditions. ClinVar contains an entry for this variant (Variation ID: 593419). Algorithms developed to predict the effect of missense changes on protein structure and function are either unavailable or do not agree on the potential impact of this missense change (SIFT: "Tolerated"; PolyPhen-2: "Possibly Damaging"; Align-GVGD: "Class C0"). Algorithms developed to predict the effect of sequence changes on RNA splicing suggest that this variant may create or strengthen a splice site. In summary, the available evidence is currently insufficient to determine the role of this variant in disease. Therefore, it has been classified as a Variant of Uncertain Significance.

GeneDx
Classification: Uncertain significance. Last evaluated: 2019-05-29. Review status: criteria provided, single submitter. Criteria: GeneDx Variant Classification Process June 2021. Collection method: clinical testing. Allele origin: germline. Affected: yes.
Comment: In silico analysis, which includes protein predictors and evolutionary conservation, supports a deleterious effect

Eurofins Ntd Llc (ga)
Classification: Uncertain significance. Last evaluated: 2017-07-24. Review status: criteria provided, single submitter. Criteria: EGL Classification Definitions 2015. Collection method: clinical testing. Allele origin: germline. Observed: 1 variant allele, 1 heterozygote.

NM_002617.4(PEX10):c.527G>A (p.Arg176Gln)

Gene: PEX10 (peroxisomal biogenesis factor 10; minus strand). Cytogenetic location: 1p36.32.
Variant type: single nucleotide variant.
Coding change: c.527G>A on transcript NM_002617.4 (MANE Select); coding-DNA position 527, G replaced by A.
Protein change: p.Arg176Gln; replaces arginine 176 with glutamine.
Molecular consequence: missense variant. On other transcripts: non-coding transcript variant (1).
Genome position (GRCh38, 1-based): chr1:2,408,525, C>T on the plus strand (G>A on the coding strand, the complement: PEX10 is on the minus strand). VCF-style: chr1-2408525-C-T. GRCh37 (hg19) VCF-style: chr1-2339964-C-T.
Other names: c.527G>A, p.Arg176Gln (NM_001374425.1, NM_153818.2); c.95G>A, p.Arg32Gln (NM_001374426.1, NM_001374427.1); short protein forms R176Q, R32Q.
Identifiers: ClinVar variation 593419 (VCV000593419.9), dbSNP rs184150138, ClinGen allele CA538143.